The following is an entry in ClinVar:

ClinVar aggregate classification (germline): Uncertain significance (1 of 4 stars; one submission).

gnomAD v4.1: 16 of 1,614,136 alleles (0.00099%); highest among the groups gnomAD compares: East Asian, 0.0022%; no homozygotes.

Submission:

Labcorp Genetics (formerly Invitae), Labcorp
Classification: Uncertain significance. Last evaluated: 2025-07-07. Review status: criteria provided, single submitter. Criteria: Invitae Variant Classification Sherloc (09022015). Collection method: clinical testing. Allele origin: germline.
Comment: This sequence change replaces arginine, which is basic and polar, with cysteine, which is neutral and slightly polar, at codon 120 of the TFRC protein (p.Arg120Cys). This variant is present in population databases (rs768793663, gnomAD 0.003%). This variant has not been reported in the literature in individuals affected with TFRC-related conditions. ClinVar contains an entry for this variant (Variation ID: 3628435). Invitae Evidence Modeling of protein sequence and biophysical properties (such as structural, functional, and spatial information, amino acid conservation, physicochemical variation, residue mobility, and thermodynamic stability) indicates that this missense variant is not expected to disrupt TFRC protein function with a negative predictive value of 80%. In summary, the available evidence is currently insufficient to determine the role of this variant in disease. Therefore, it has been classified as a Variant of Uncertain Significance.

NM_001128148.3(TFRC):c.358C>T (p.Arg120Cys)

Gene: TFRC (transferrin receptor; minus strand). Cytogenetic location: 3q29.
Variant type: single nucleotide variant.
Coding change: c.358C>T on transcript NM_001128148.3 (MANE Select); coding-DNA position 358, C replaced by T.
Protein change: p.Arg120Cys; replaces arginine 120 with cysteine.
Molecular consequence: missense variant. On other transcripts: intron variant (1).
Genome position (GRCh38, 1-based): chr3:196,074,006, G>A on the plus strand (C>T on the coding strand, the complement: TFRC is on the minus strand). VCF-style: chr3-196074006-G-A. GRCh37 (hg19) VCF-style: chr3-195800877-G-A.
Other names: c.115C>T, p.Arg39Cys (NM_001313965.2); c.358C>T, p.Arg120Cys (NM_003234.4); c.-412-1854C>T (NM_001313966.2); short protein forms R120C, R39C.
Identifiers: ClinVar variation 3628435 (VCV003628435.2).